The following is an entry in ClinVar:

NM_005055.5(RAPSN):c.258C>A (p.Tyr86Ter)

Gene: RAPSN (receptor associated protein of the synapse; minus strand). Cytogenetic location: 11p11.2.
Variant type: single nucleotide variant.
Coding change: c.258C>A on transcript NM_005055.5 (MANE Select); coding-DNA position 258, C replaced by A.
Protein change: p.Tyr86Ter; replaces tyrosine 86 with a stop codon.
Molecular consequence: nonsense. On other transcripts: intron variant (1).
Genome position (GRCh38, 1-based): chr11:47,448,085, G>T on the plus strand (C>A on the coding strand, the complement: RAPSN is on the minus strand). VCF-style: chr11-47448085-G-T. GRCh37 (hg19) VCF-style: chr11-47469637-G-T.
Other names: c.258C>A, p.Tyr86Ter (NM_001440490.1, NM_001440491.1, NM_001440492.1 and 12 more transcripts); c.192+688C>A (NM_001440504.1); short protein forms Y86*.
Identifiers: ClinVar variation 5011131 (VCV005011131.1).

ClinVar aggregate classification (germline): Pathogenic (1 of 4 stars; one submission).

Conditions:
RAPSN-related disorder. Also called: RAPSN-related condition; RAPSN-related disorders. Identifiers: MedGen CN239397.

Submission:

Myriad Genetics, Inc.
Classification: Pathogenic for RAPSN-related disorder. Last evaluated: 2024-05-14. Review status: criteria provided, single submitter. Criteria: Myriad Autosomal Dominant, Autosomal Recessive and X-Linked Classification Criteria (2023). Collection method: clinical testing. Allele origin: unknown.
Comment: NM_005055.4(RAPSN):c.258C>A(Y86*) is expected to be pathogenic in the context of RAPSN-related disorders. This variant is predicted to lead to an abnormal or absent protein product due to the creation of a premature termination codon in RAPSN, a gene where loss-of-function variants are known to be pathogenic. Please note: this variant was assessed in the context of healthy population screening.